The following is an entry in ClinVar:

NM_000059.4(BRCA2):c.9449C>G (p.Pro3150Arg)

Gene: BRCA2 (BRCA2 DNA repair associated; plus strand). Cytogenetic location: 13q13.1.
Variant type: single nucleotide variant.
Coding change: c.9449C>G on transcript NM_000059.4 (MANE Select); coding-DNA position 9449, C replaced by G.
Protein change: p.Pro3150Arg; replaces proline 3150 with arginine.
Molecular consequence: missense variant. On other transcripts: non-coding transcript variant (1).
Genome position (GRCh38, 1-based): chr13:32,394,881, C>G. VCF-style: chr13-32394881-C-G. GRCh37 (hg19) VCF-style: chr13-32969018-C-G.
Other names: c.9353C>G, p.Pro3118Arg (NM_001406719.1); c.9398C>G, p.Pro3133Arg (NM_001406720.1); c.4517C>G, p.Pro1506Arg (NM_001406721.1); c.3032C>G, p.Pro1011Arg (NM_001406722.1); c.9449C>G, p.Pro3150Arg (NM_001432077.1); short protein forms P1011R, P1506R, P3118R, P3150R, P3133R.
Identifiers: ClinVar variation 4767007 (VCV004767007.1).

ClinVar aggregate classification (germline): Uncertain significance (1 of 4 stars; one submission).

Conditions:
Hereditary breast ovarian cancer syndrome. Also called: Breast and ovarian cancer; BRCA1- and BRCA2-Associated Hereditary Breast and Ovarian Cancer; Hereditary breast and ovarian cancer; Hereditary breast and ovarian cancer syndrome (HBOC); Hereditary breast and/or ovarian cancer syndrome; Hereditary breast and ovarian cancer syndrome. Identifiers: Orphanet 145, MedGen C0677776, MeSH D061325, MONDO:0003582. Disease mechanism: loss of function.

Submission:

Labcorp Genetics (formerly Invitae), Labcorp
Classification: Uncertain significance for Hereditary breast ovarian cancer syndrome. Last evaluated: 2025-06-04. Review status: criteria provided, single submitter. Criteria: Invitae Variant Classification Sherloc (09022015). Collection method: clinical testing. Allele origin: germline.
Comment: This sequence change replaces proline, which is neutral and non-polar, with arginine, which is basic and polar, at codon 3150 of the BRCA2 protein (p.Pro3150Arg). This variant is not present in population databases (gnomAD no frequency). This variant has not been reported in the literature in individuals affected with BRCA2-related conditions. Invitae Evidence Modeling of protein sequence and biophysical properties (such as structural, functional, and spatial information, amino acid conservation, physicochemical variation, residue mobility, and thermodynamic stability) indicates that this missense variant is not expected to disrupt BRCA2 protein function with a negative predictive value of 95%. In summary, the available evidence is currently insufficient to determine the role of this variant in disease. Therefore, it has been classified as a Variant of Uncertain Significance.